The following is an entry in ClinVar:

NM_001127898.4(CLCN5):c.2004T>G (p.Leu668=)

Genes: CLCN5 (Cl-/H+ antiporter 5; plus strand), LOC126863258 (BRD4-independent group 4 enhancer GRCh37_chrX:49854497-49855696; plus strand). Cytogenetic location: Xp11.23.
Variant type: single nucleotide variant.
Coding change: c.2004T>G on transcript NM_001127898.4 (MANE Select); coding-DNA position 2004, T replaced by G.
Protein change: p.Leu668=; no amino-acid change (leucine 668 retained).
Molecular consequence: synonymous variant. On other transcripts: non-coding transcript variant (1).
Genome position (GRCh38, 1-based): chrX:50,090,375, T>G. VCF-style: chrX-50090375-T-G. GRCh37 (hg19) VCF-style: chrX-49855032-T-G.
Other names: c.1794T>G, p.Leu598= (NM_000084.5); c.2004T>G, p.Leu668= (NM_001127899.4); c.1854T>G, p.Leu618= (NM_001282163.2); c.2016T>G, p.Leu672= (NM_001440756.1, NM_001440757.1).
Identifiers: ClinVar variation 4534114 (VCV004534114.6).

ClinVar aggregate classification (germline): Likely benign (1 of 4 stars; one submission).

Submission:

CeGaT Center for Human Genetics Tuebingen
Classification: Likely benign. Last evaluated: 2025-10-01. Review status: criteria provided, single submitter. Criteria: CeGaT Center For Human Genetics Tuebingen Variant Classification Criteria Version 2. Collection method: clinical testing. Allele origin: germline. Affected: yes. Observed: 1 variant allele.
Comment: CLCN5: PM2:Supporting, BP4, BP7